The following is an entry in ClinVar:

ClinVar aggregate classification (germline): Benign (1 of 4 stars; one submission).

Allele frequency attached by ClinVar (database versions not stated): gnomAD 0.33319 and 0.34024; TOPMed 0.33478; 1000 Genomes Project 30x 0.34010; 1000 Genomes Project 0.34345; gnomAD exomes 0.39394.
gnomAD v4.1: 281,382 of 735,596 alleles (38%); highest among the groups gnomAD compares: South Asian, 44%; 55,475 homozygotes.

Submission:

GeneDx
Classification: Benign. Last evaluated: 2018-06-19. Review status: criteria provided, single submitter. Criteria: GeneDx Variant Classification (06012015). Collection method: clinical testing. Allele origin: germline. Affected: yes.
Comment: This variant is considered likely benign or benign based on one or more of the following criteria: it is a conservative change, it occurs at a poorly conserved position in the protein, it is predicted to be benign by multiple in silico algorithms, and/or has population frequency not consistent with disease.

NM_014845.6(FIG4):c.876+126T>G

Gene: FIG4 (FIG4 phosphoinositide 5-phosphatase; plus strand). Cytogenetic location: 6q21.
Variant type: single nucleotide variant.
Coding change: c.876+126T>G on transcript NM_014845.6 (MANE Select); 126 bases into the intron after coding-DNA position 876, T replaced by G.
Molecular consequence: intron variant.
Genome position (GRCh38, 1-based): chr6:109,741,670, T>G. VCF-style: chr6-109741670-T-G. GRCh37 (hg19) VCF-style: chr6-110062873-T-G.
Identifiers: ClinVar variation 680179 (VCV000680179.1), dbSNP rs1322124, ClinGen allele CA15448947.